The following is an entry in ClinVar:

ClinVar aggregate classification (germline): Likely benign (0 of 4 stars; one submission).

Conditions:
BCOR-related disorder. Also called: BCOR-related disorders; BCOR-related condition.

Allele frequency attached by ClinVar (database versions not stated): gnomAD exomes below 0.00001; TOPMed below 0.00001; gnomAD 0.00001.
gnomAD v4.1: 4 of 1,208,510 alleles (0.00033%); highest among the groups gnomAD compares: Non-Finnish European, 0.00045%; no homozygotes.

Submission:

PreventionGenetics, part of Exact Sciences
Classification: Likely benign for BCOR-related condition. Last evaluated: 2020-02-19. Review status: no assertion criteria provided. Collection method: clinical testing. Allele origin: germline.
Comment: This variant is classified as likely benign based on ACMG/AMP sequence variant interpretation guidelines (Richards et al. 2015 PMID: 25741868, with internal and published modifications).

NM_001123385.2(BCOR):c.86+6T>C

Gene: BCOR (BCL6 corepressor; minus strand). Cytogenetic location: Xp11.4.
Variant type: single nucleotide variant.
Coding change: c.86+6T>C on transcript NM_001123385.2 (MANE Select); 6 bases into the intron after coding-DNA position 86, T replaced by C.
Molecular consequence: intron variant.
Genome position (GRCh38, 1-based): chrX:40,077,838, A>G on the plus strand (T>C on the coding strand, the complement: BCOR is on the minus strand). VCF-style: chrX-40077838-A-G. GRCh37 (hg19) VCF-style: chrX-39937091-A-G.
Other names: c.86+6T>C (NM_001123384.2, NM_001438207.1, NM_001123383.2 and 4 more transcripts).
Identifiers: ClinVar variation 3051060 (VCV003051060.2), dbSNP rs1253574581, ClinGen allele CA875278511.